The following is an entry in ClinVar:

ClinVar aggregate classification (germline): Uncertain significance (1 of 4 stars; one submission).

Submission:

Labcorp Genetics (formerly Invitae), Labcorp
Classification: Uncertain significance. Last evaluated: 2025-09-16. Review status: criteria provided, single submitter. Criteria: Invitae Variant Classification Sherloc (09022015). Collection method: clinical testing. Allele origin: germline.
Comment: This sequence change falls in intron 2 of the FGF10 gene. It does not directly change the encoded amino acid sequence of the FGF10 protein. It affects a nucleotide within the consensus splice site. This variant is not present in population databases (gnomAD no frequency). This variant has not been reported in the literature in individuals affected with FGF10-related conditions. Variants that disrupt the consensus splice site are a relatively common cause of aberrant splicing (PMID: 17576681, 9536098). Algorithms developed to predict the effect of sequence changes on RNA splicing suggest that this variant may disrupt the consensus splice site. In summary, the available evidence is currently insufficient to determine the role of this variant in disease. Therefore, it has been classified as a Variant of Uncertain Significance.

Literature cited by the submitters: PubMed 17576681; PubMed 9536098.

NM_004465.2(FGF10):c.429+5G>A

Gene: FGF10 (fibroblast growth factor 10; minus strand). Cytogenetic location: 5p12.
Variant type: single nucleotide variant.
Coding change: c.429+5G>A on transcript NM_004465.2 (MANE Select); 5 bases into the intron after coding-DNA position 429, G replaced by A.
Molecular consequence: intron variant.
Genome position (GRCh38, 1-based): chr5:44,310,422, C>T on the plus strand (G>A on the coding strand, the complement: FGF10 is on the minus strand). VCF-style: chr5-44310422-C-T. GRCh37 (hg19) VCF-style: chr5-44310524-C-T.
Identifiers: ClinVar variation 4727307 (VCV004727307.1).